The following is an entry in ClinVar:

ClinVar aggregate classification (germline): Uncertain significance. Review status: criteria provided, multiple submitters, no conflicts (2 of 4 stars). 2 submissions from 2 submitters: Uncertain significance (2). Last evaluated 2024-08-13.

Conditions:
Fanconi anemia (FA). Also called: Fanconi's anemia. Identifiers: Orphanet 84, MedGen C0015625, MeSH D005199, MONDO:0019391.
Fanconi anemia complementation group P. Also called: SLX4-Related Fanconi Anemia. Identifiers: Orphanet 84, MedGen C3469542, MONDO:0013499, OMIM 613951.

Allele frequency attached by ClinVar (database versions not stated): ExAC 0.00001; gnomAD exomes 0.00002; TOPMed 0.00002; gnomAD 0.00003.

Submissions (2):

Labcorp Genetics (formerly Invitae), Labcorp
Classification: Uncertain significance for Fanconi anemia. Last evaluated: 2024-08-13. Review status: criteria provided, single submitter. Criteria: Invitae Variant Classification Sherloc (09022015). Collection method: clinical testing. Allele origin: germline.
Comment: This sequence change replaces glycine, which is neutral and non-polar, with arginine, which is basic and polar, at codon 1396 of the SLX4 protein (p.Gly1396Arg). This variant is present in population databases (rs376437029, gnomAD 0.004%). This variant has not been reported in the literature in individuals affected with SLX4-related conditions. ClinVar contains an entry for this variant (Variation ID: 645466). An algorithm developed to predict the effect of missense changes on protein structure and function (PolyPhen-2) suggests that this variant is likely to be tolerated. In summary, the available evidence is currently insufficient to determine the role of this variant in disease. Therefore, it has been classified as a Variant of Uncertain Significance.

Fulgent Genetics
Classification: Uncertain significance for Fanconi anemia complementation group P. Last evaluated: 2021-07-23. Review status: criteria provided, single submitter. Criteria: ACMG Guidelines, 2015. Collection method: clinical testing. Allele origin: unknown.

NM_032444.4(SLX4):c.4186G>A (p.Gly1396Arg)

Gene: SLX4 (SLX4 structure-specific endonuclease subunit; minus strand). Cytogenetic location: 16p13.3.
Variant type: single nucleotide variant.
Coding change: c.4186G>A on transcript NM_032444.4 (MANE Select); coding-DNA position 4186, G replaced by A.
Protein change: p.Gly1396Arg; replaces glycine 1396 with arginine.
Molecular consequence: missense variant.
Genome position (GRCh38, 1-based): chr16:3,589,452, C>T on the plus strand (G>A on the coding strand, the complement: SLX4 is on the minus strand). VCF-style: chr16-3589452-C-T. GRCh37 (hg19) VCF-style: chr16-3639453-C-T.
Other names: c.4186G>A (LRG_503t1); short protein forms G1396R.
Identifiers: ClinVar variation 645466 (VCV000645466.9), dbSNP rs376437029, ClinGen allele CA7865710.
Genomic context (GRCh38, chr16:3,589,452, plus strand): 5'-CCAGTGGGGGGCTTCTGTTGGCCTGATGGGAGGCCACCTCCTGCTCATCGTCACTGTCTC[C>T]GACTTCCACCACTTCACCCGCTGGGGTCTGGTTCAGGAAGCTTGGCCCAGGCGGCGAGTG-3'
Protein context (NP_115820.2, residues 1386-1406): QTPAGEVVEV[Gly1396Arg]DSDDEQEVAS